The following is an entry in ClinVar:

NM_020949.3(SLC7A14):c.1547T>G (p.Met516Arg)

Genes: SLC7A14 (solute carrier family 7 member 14; minus strand), SLC7A14-AS1 (SLC7A14 antisense RNA 1; plus strand). Cytogenetic location: 3q26.2.
Variant type: single nucleotide variant.
Coding change: c.1547T>G on transcript NM_020949.3 (MANE Select); coding-DNA position 1547, T replaced by G.
Protein change: p.Met516Arg; replaces methionine 516 with arginine.
Molecular consequence: missense variant.
Genome position (GRCh38, 1-based): chr3:170,480,735, A>C on the plus strand (T>G on the coding strand, the complement: SLC7A14 is on the minus strand). VCF-style: chr3-170480735-A-C. GRCh37 (hg19) VCF-style: chr3-170198524-A-C.
Other names: c.1547T>G (NM_020949.2); short protein forms M516R.
Identifiers: ClinVar variation 1502266 (VCV001502266.8), dbSNP rs1011107567, ClinGen allele CA87710045.

ClinVar aggregate classification (germline): Uncertain significance. Review status: criteria provided, multiple submitters, no conflicts (2 of 4 stars). 3 submissions from 3 submitters: Uncertain significance (2). 1 of the submissions does not count toward it. Last evaluated 2025-03-22.

Conditions:
Retinal dystrophy. Also called: Inherited retinal dystrophy. Identifiers: Orphanet 71862, MedGen C0854723, MeSH D058499, MONDO:0019118, HP:0000556.

Allele frequency attached by ClinVar (database versions not stated): gnomAD exomes below 0.00001.
gnomAD v4.1: 2 of 1,614,206 alleles (0.00012%); highest among the groups gnomAD compares: Middle Eastern, 0.033%; no homozygotes.

Submissions (3):

Ambry Genetics
Classification: Uncertain significance. Last evaluated: 2025-03-22. Review status: criteria provided, single submitter. Criteria: Ambry Variant Classification Scheme 2023. Collection method: clinical testing. Allele origin: germline.

Labcorp Genetics (formerly Invitae), Labcorp
Classification: Uncertain significance. Last evaluated: 2022-12-07. Review status: criteria provided, single submitter. Criteria: Invitae Variant Classification Sherloc (09022015). Collection method: clinical testing. Allele origin: germline.
Comment: Algorithms developed to predict the effect of missense changes on protein structure and function (SIFT, PolyPhen-2, Align-GVGD) all suggest that this variant is likely to be tolerated. ClinVar contains an entry for this variant (Variation ID: 1502266). This variant has not been reported in the literature in individuals affected with SLC7A14-related conditions. This variant is not present in population databases (gnomAD no frequency). This sequence change replaces methionine, which is neutral and non-polar, with arginine, which is basic and polar, at codon 516 of the SLC7A14 protein (p.Met516Arg). In summary, the available evidence is currently insufficient to determine the role of this variant in disease. Therefore, it has been classified as a Variant of Uncertain Significance.

Institute of Human Genetics, Univ. Regensburg, Univ. Regensburg
Classification: Uncertain significance for Retinal dystrophy. Last evaluated: 2020-01-01. Review status: no assertion criteria provided. Criteria: ACMG Guidelines, 2015. Collection method: clinical testing. Allele origin: germline. Affected: yes. Not counted in ClinVar's aggregate classification.